The following is an entry in ClinVar:

ClinVar aggregate classification (germline): Uncertain significance. Review status: criteria provided, single submitter (1 of 4 stars). 2 submissions from 2 submitters: Uncertain significance (1). 1 of the submissions does not count toward it. Last evaluated 2025-12-10.

Conditions:
ITPR1-related disorder. Also called: ITPR1-related condition.

Allele frequency attached by ClinVar (database versions not stated): ExAC 0.00001; gnomAD 0.00001; gnomAD exomes 0.00001; TOPMed 0.00002.
gnomAD v4.1: 10 of 1,593,990 alleles (0.00063%); highest among the groups gnomAD compares: Admixed American, 0.0017%; no homozygotes.

Submissions (2):

Labcorp Genetics (formerly Invitae), Labcorp
Classification: Uncertain significance. Last evaluated: 2025-12-10. Review status: criteria provided, single submitter. Criteria: Invitae Variant Classification Sherloc (09022015). Collection method: clinical testing. Allele origin: germline.
Comment: This sequence change falls in intron 20 of the ITPR1 gene. It does not directly change the encoded amino acid sequence of the ITPR1 protein. It affects a nucleotide within the consensus splice site. The frequency data for this variant in the population databases is considered unreliable, as metrics indicate poor data quality at this position in the gnomAD database. This variant has not been reported in the literature in individuals affected with ITPR1-related conditions. ClinVar contains an entry for this variant (Variation ID: 1387294). Variants that disrupt the consensus splice site are a relatively common cause of aberrant splicing (PMID: 17576681, 9536098). Algorithms developed to predict the effect of sequence changes on RNA splicing suggest that this variant is not likely to affect RNA splicing. In summary, the available evidence is currently insufficient to determine the role of this variant in disease. Therefore, it has been classified as a Variant of Uncertain Significance.

PreventionGenetics, part of Exact Sciences
Classification: Likely benign for ITPR1-related condition. Last evaluated: 2023-08-29. Review status: no assertion criteria provided. Collection method: clinical testing. Allele origin: germline. Not counted in ClinVar's aggregate classification.
Comment: This variant is classified as likely benign based on ACMG/AMP sequence variant interpretation guidelines (Richards et al. 2015 PMID: 25741868, with internal and published modifications).

Literature cited by the submitters: PubMed 17576681 (cited by Labcorp Genetics (formerly Invitae), Labcorp); PubMed 9536098 (cited by Labcorp Genetics (formerly Invitae), Labcorp).

NM_001378452.1(ITPR1):c.2456+6C>T

Gene: ITPR1 (inositol 1,4,5-trisphosphate receptor type 1; plus strand). Cytogenetic location: 3p26.1.
Variant type: single nucleotide variant.
Coding change: c.2456+6C>T on transcript NM_001378452.1 (MANE Select); 6 bases into the intron after coding-DNA position 2456, C replaced by T.
Molecular consequence: intron variant.
Genome position (GRCh38, 1-based): chr3:4,673,393, C>T. VCF-style: chr3-4673393-C-T. GRCh37 (hg19) VCF-style: chr3-4715077-C-T.
Other names: c.2456+6C>T (NM_001099952.4); c.2411+6C>T (NM_001168272.2, NM_002222.7, NM_002222.5).
Identifiers: ClinVar variation 1387294 (VCV001387294.8), dbSNP rs779086270, ClinGen allele CA2231421.